The following is an entry in ClinVar:

ClinVar aggregate classification (germline): Benign. Review status: criteria provided, multiple submitters, no conflicts (2 of 4 stars). 2 submissions from 2 submitters: Benign (2). Last evaluated 2018-06-14.

Allele frequency attached by ClinVar (database versions not stated): 1000 Genomes Project 0.27216; 1000 Genomes Project 30x 0.27686; gnomAD 0.35804 and 0.36516; TOPMed 0.35882; gnomAD exomes 0.36887.
gnomAD v4.1: 574,106 of 1,562,850 alleles (37%); highest among the groups gnomAD compares: African/African-American, 42%; 109,791 homozygotes.

Submissions (2):

GeneDx
Classification: Benign. Last evaluated: 2018-06-14. Review status: criteria provided, single submitter. Criteria: GeneDx Variant Classification (06012015). Collection method: clinical testing. Allele origin: germline. Affected: yes.
Comment: This variant is considered likely benign or benign based on one or more of the following criteria: it is a conservative change, it occurs at a poorly conserved position in the protein, it is predicted to be benign by multiple in silico algorithms, and/or has population frequency not consistent with disease.

Breakthrough Genomics
Classification: Benign. Review status: criteria provided, single submitter. Criteria: ACMG Guidelines, 2015. Collection method: not provided. Allele origin: germline. Inheritance: Autosomal recessive inheritance. Affected: yes.

NM_024809.5(TCTN2):c.764+76C>T

Gene: TCTN2 (tectonic family member 2; plus strand). Cytogenetic location: 12q24.31.
Variant type: single nucleotide variant.
Coding change: c.764+76C>T on transcript NM_024809.5 (MANE Select); 76 bases into the intron after coding-DNA position 764, C replaced by T.
Molecular consequence: intron variant.
Genome position (GRCh38, 1-based): chr12:123,687,111, C>T. VCF-style: chr12-123687111-C-T. GRCh37 (hg19) VCF-style: chr12-124171658-C-T.
Other names: c.761+76C>T (NM_001143850.3).
Identifiers: ClinVar variation 675012 (VCV000675012.2), dbSNP rs7309528, ClinGen allele CA13605555.